The following is an entry in ClinVar:

NM_001289104.2(PRKCSH):c.814G>A (p.Val272Ile)

Gene: PRKCSH (PRKCSH beta subunit of glucosidase II; plus strand). Cytogenetic location: 19p13.2.
Variant type: single nucleotide variant.
Coding change: c.814G>A on transcript NM_001289104.2 (MANE Select); coding-DNA position 814, G replaced by A.
Protein change: p.Val272Ile; replaces valine 272 with isoleucine.
Molecular consequence: missense variant.
Genome position (GRCh38, 1-based): chr19:11,447,125, G>A. VCF-style: chr19-11447125-G-A. GRCh37 (hg19) VCF-style: chr19-11557940-G-A.
Other names: c.814G>A, p.Val272Ile (NM_001001329.3, NM_001289102.2, NM_001289103.2 and 3 more transcripts); short protein forms V272I.
Identifiers: ClinVar variation 2488362 (VCV002488362.3), dbSNP rs754485123, ClinGen allele CA9213009.

ClinVar aggregate classification (germline): Uncertain significance. Review status: criteria provided, multiple submitters, no conflicts (2 of 4 stars). 2 submissions from 2 submitters: Uncertain significance (2). Last evaluated 2025-12-01.

Conditions:
Inborn genetic diseases. Identifiers: MedGen C0950123, MeSH D030342.

Allele frequency attached by ClinVar (database versions not stated): ExAC 0.00001; TOPMed 0.00001.
gnomAD v4.1: 20 of 1,613,978 alleles (0.0012%); highest among the groups gnomAD compares: Middle Eastern, 0.016%; 1 homozygote.

Submissions (2):

Labcorp Genetics (formerly Invitae), Labcorp
Classification: Uncertain significance. Last evaluated: 2025-12-01. Review status: criteria provided, single submitter. Criteria: Invitae Variant Classification Sherloc (09022015). Collection method: clinical testing. Allele origin: germline.
Comment: This sequence change replaces valine, which is neutral and non-polar, with isoleucine, which is neutral and non-polar, at codon 272 of the PRKCSH protein (p.Val272Ile). This variant is present in population databases (rs754485123, gnomAD 0.01%). This variant has not been reported in the literature in individuals affected with PRKCSH-related conditions. ClinVar contains an entry for this variant (Variation ID: 2488362). An algorithm developed to predict the effect of missense changes on protein structure and function outputs the following: PolyPhen-2: "Benign". The isoleucine amino acid residue is found in multiple mammalian species, which suggests that this missense change does not adversely affect protein function. In summary, the available evidence is currently insufficient to determine the role of this variant in disease. Therefore, it has been classified as a Variant of Uncertain Significance.

Ambry Genetics
Classification: Uncertain significance for Inborn genetic diseases. Last evaluated: 2023-02-23. Review status: criteria provided, single submitter. Criteria: Ambry Variant Classification Scheme 2023. Collection method: clinical testing. Allele origin: germline.